The following is an entry in ClinVar:

ClinVar aggregate classification (germline): Likely benign (0 of 4 stars; one submission).

Conditions:
EZR-related disorder. Also called: EZR-related condition.

Allele frequency attached by ClinVar (database versions not stated): ExAC 0.00002; ESP Exome Variant Server 0.00008; gnomAD 0.00009; TOPMed 0.00009; gnomAD exomes 0.00011.
gnomAD v4.1: 173 of 1,613,046 alleles (0.011%); highest among the groups gnomAD compares: Non-Finnish European, 0.014%; no homozygotes.

Submission:

PreventionGenetics, part of Exact Sciences
Classification: Likely benign for EZR-related condition. Last evaluated: 2019-03-27. Review status: no assertion criteria provided. Collection method: clinical testing. Allele origin: germline.
Comment: This variant is classified as likely benign based on ACMG/AMP sequence variant interpretation guidelines (Richards et al. 2015 PMID: 25741868, with internal and published modifications).

NM_001111077.2(EZR):c.120G>C (p.Arg40=)

Gene: EZR (ezrin; minus strand). Cytogenetic location: 6q25.3.
Variant type: single nucleotide variant.
Coding change: c.120G>C on transcript NM_001111077.2 (MANE Select); coding-DNA position 120, G replaced by C.
Protein change: p.Arg40=; no amino-acid change (arginine 40 retained).
Molecular consequence: synonymous variant.
Genome position (GRCh38, 1-based): chr6:158,787,180, C>G on the plus strand (G>C on the coding strand, the complement: EZR is on the minus strand). VCF-style: chr6-158787180-C-G. GRCh37 (hg19) VCF-style: chr6-159208212-C-G.
Other names: c.120G>C, p.Arg40= (NM_003379.5).
Identifiers: ClinVar variation 3058735 (VCV003058735.2), dbSNP rs372817954, ClinGen allele CA4075409.